The following is an entry in ClinVar:

NM_017617.5(NOTCH1):c.4378A>G (p.Asn1460Asp)

Gene: NOTCH1 (notch receptor 1; minus strand). Cytogenetic location: 9q34.3.
Variant type: single nucleotide variant.
Coding change: c.4378A>G on transcript NM_017617.5 (MANE Select); coding-DNA position 4378, A replaced by G.
Protein change: p.Asn1460Asp; replaces asparagine 1460 with aspartic acid.
Molecular consequence: missense variant.
Genome position (GRCh38, 1-based): chr9:136,505,518, T>C on the plus strand (A>G on the coding strand, the complement: NOTCH1 is on the minus strand). VCF-style: chr9-136505518-T-C. GRCh37 (hg19) VCF-style: chr9-139399970-T-C.
Other names: short protein forms N1460D.
Identifiers: ClinVar variation 4801893 (VCV004801893.1).

ClinVar aggregate classification (germline): Uncertain significance (1 of 4 stars; one submission).

Conditions:
Adams-Oliver syndrome 5 (AOS5). Identifiers: Orphanet 974, MedGen C4014970, MONDO:0014459, OMIM 616028.

gnomAD v4.1: 1 of 1,612,642 alleles (0.000062%); highest among the groups gnomAD compares: Non-Finnish European, 0.000085%; no homozygotes.

Submission:

Labcorp Genetics (formerly Invitae), Labcorp
Classification: Uncertain significance for Adams-Oliver syndrome 5. Last evaluated: 2025-08-05. Review status: criteria provided, single submitter. Criteria: Invitae Variant Classification Sherloc (09022015). Collection method: clinical testing. Allele origin: germline.
Comment: This sequence change replaces asparagine, which is neutral and polar, with aspartic acid, which is acidic and polar, at codon 1460 of the NOTCH1 protein (p.Asn1460Asp). This variant is not present in population databases (gnomAD no frequency). This variant has not been reported in the literature in individuals affected with NOTCH1-related conditions. Invitae Evidence Modeling of protein sequence and biophysical properties (such as structural, functional, and spatial information, amino acid conservation, physicochemical variation, residue mobility, and thermodynamic stability) indicates that this missense variant is not expected to disrupt NOTCH1 protein function with a negative predictive value of 95%. In summary, the available evidence is currently insufficient to determine the role of this variant in disease. Therefore, it has been classified as a Variant of Uncertain Significance.